The following is an entry in ClinVar:

ClinVar aggregate classification (germline): Uncertain significance (1 of 4 stars; one submission).

Conditions:
Hypertrophic cardiomyopathy. Also called: HYPERTROPHIC MYOCARDIOPATHY. Identifiers: Orphanet 217569, MedGen C0007194, MeSH D002312, MONDO:0005045, HP:0001639.

Submission:

Labcorp Genetics (formerly Invitae), Labcorp
Classification: Uncertain significance for Hypertrophic cardiomyopathy. Last evaluated: 2022-03-22. Review status: criteria provided, single submitter. Criteria: Invitae Variant Classification Sherloc (09022015). Collection method: clinical testing. Allele origin: germline.
Comment: This sequence change replaces tyrosine, which is neutral and polar, with cysteine, which is neutral and slightly polar, at codon 26 of the TNNI3 protein (p.Tyr26Cys). In summary, the available evidence is currently insufficient to determine the role of this variant in disease. Therefore, it has been classified as a Variant of Uncertain Significance. Algorithms developed to predict the effect of missense changes on protein structure and function are either unavailable or do not agree on the potential impact of this missense change (SIFT: "Deleterious"; PolyPhen-2: "Probably Damaging"; Align-GVGD: "Class C0"). This variant has not been reported in the literature in individuals affected with TNNI3-related conditions. This variant is not present in population databases (gnomAD no frequency).

NM_000363.5(TNNI3):c.77A>G (p.Tyr26Cys)

Gene: TNNI3 (troponin I3, cardiac type; minus strand). Cytogenetic location: 19q13.42.
Variant type: single nucleotide variant.
Coding change: c.77A>G on transcript NM_000363.5 (MANE Select); coding-DNA position 77, A replaced by G.
Protein change: p.Tyr26Cys; replaces tyrosine 26 with cysteine.
Molecular consequence: missense variant.
Genome position (GRCh38, 1-based): chr19:55,157,081, T>C on the plus strand (A>G on the coding strand, the complement: TNNI3 is on the minus strand). VCF-style: chr19-55157081-T-C. GRCh37 (hg19) VCF-style: chr19-55668449-T-C.
Other names: short protein forms Y26C.
Identifiers: ClinVar variation 1499366 (VCV001499366.8), dbSNP rs2147285958, ClinGen allele CA407442995.